The following is an entry in ClinVar:

NM_001148.6(ANK2):c.910C>T (p.His304Tyr)

Gene: ANK2 (ankyrin 2; plus strand). Cytogenetic location: 4q26.
Variant type: single nucleotide variant.
Coding change: c.910C>T on transcript NM_001148.6 (MANE Select); coding-DNA position 910, C replaced by T.
Protein change: p.His304Tyr; replaces histidine 304 with tyrosine.
Molecular consequence: missense variant.
Genome position (GRCh38, 1-based): chr4:113,249,782, C>T. VCF-style: chr4-113249782-C-T. GRCh37 (hg19) VCF-style: chr4-114170938-C-T.
Other names: c.847C>T, p.His283Tyr (NM_001127493.3, NM_001354239.2, NM_001354243.2 and 14 more transcripts); c.910C>T, p.His304Tyr (NM_001354225.2, NM_001354228.2, NM_001354232.2 and 9 more transcripts); c.955C>T, p.His319Tyr (NM_001354230.2, NM_001354231.2, NM_001354237.2 and 5 more transcripts); c.823C>T, p.His275Tyr (NM_001354249.2, NM_001354260.2, NM_001354264.2 and 16 more transcripts); c.868C>T, p.His290Tyr (NM_001354261.2, NM_001386147.1, NM_001386160.1); c.898C>T, p.His300Tyr (NM_001354269.3, NM_001386148.2, NM_001386186.2); c.961C>T, p.His321Tyr (NM_001386174.1); c.937C>T, p.His313Tyr (NM_001386175.1); and 1 more; short protein forms H275Y, H283Y, H290Y, H292Y, H300Y, H304Y, H313Y, H319Y.
Identifiers: ClinVar variation 4975852 (VCV004975852.1).

ClinVar aggregate classification (germline): Uncertain significance (1 of 4 stars; one submission).

Submission:

GeneDx
Classification: Uncertain significance. Last evaluated: 2026-02-03. Review status: criteria provided, single submitter. Criteria: GeneDx Variant Classification Process June 2021. Collection method: clinical testing. Allele origin: germline.
Comment: Not observed at significant frequency in large population cohorts (gnomAD); In silico analysis supports that this missense variant has a deleterious effect on protein structure/function; Has not been previously published as pathogenic or benign to our knowledge